The following is an entry in ClinVar:

NM_053025.4(MYLK):c.4471G>C (p.Ala1491Pro)

Gene: MYLK (myosin light chain kinase; minus strand). Cytogenetic location: 3q21.1.
Variant type: single nucleotide variant.
Coding change: c.4471G>C on transcript NM_053025.4 (MANE Select); coding-DNA position 4471, G replaced by C.
Protein change: p.Ala1491Pro; replaces alanine 1491 with proline.
Molecular consequence: missense variant.
Genome position (GRCh38, 1-based): chr3:123,647,372, C>G on the plus strand (G>C on the coding strand, the complement: MYLK is on the minus strand). VCF-style: chr3-123647372-C-G. GRCh37 (hg19) VCF-style: chr3-123366219-C-G.
Other names: c.3943G>C, p.Ala1315Pro (NM_001321309.2); c.4264G>C, p.Ala1422Pro (NM_053026.4, NM_053028.4); c.4471G>C, p.Ala1491Pro (NM_053027.4); short protein forms A1315P, A1422P, A1491P.
Identifiers: ClinVar variation 3773700 (VCV003773700.2).
Genomic context (GRCh38, chr3:123,647,372, plus strand): 5'-TAATCTCCTGCCGGATATTCTCTTTCTCTTTTGCTGAATATGCCTTGAAGAACTTCCCTG[C>G]CCAGACTTTTCGAGTTTTCTTTTCTACAAGTCGAAAGACCTGTCCAAATTTCCCACTGCA-3'
Protein context (NP_444253.3, residues 1481-1501): LVEKKTRKVW[Ala1491Pro]GKFFKAYSAK

ClinVar aggregate classification (germline): Uncertain significance (1 of 4 stars; one submission).

Conditions:
Aortic aneurysm, familial thoracic 7 (AAT7). Also called: AORTIC DISSECTION, FAMILIAL, WITH OR WITHOUT AORTIC ANEURYSM. Identifiers: MedGen C3151077, MONDO:0013418, OMIM 613780.

Submission:

Institute of Human Genetics, University of Leipzig Medical Center
Classification: Uncertain significance for Aortic aneurysm, familial thoracic 7. Last evaluated: 2025-03-04. Review status: criteria provided, single submitter. Criteria: ACMG Guidelines, 2015. Collection method: clinical testing. Allele origin: paternal. Inheritance: Autosomal dominant inheritance. Affected: yes.
Comment: Criteria applied: PM2,PM5,PP3